The following is an entry in ClinVar:

ClinVar aggregate classification (germline): Benign/Likely benign. Review status: criteria provided, multiple submitters, no conflicts (2 of 4 stars). 15 submissions from 15 submitters: Benign (7); Likely benign (8). Last evaluated 2026-04-01.

Conditions:
Pheochromocytoma/paraganglioma syndrome 3. Also called: GLOMUS TUMORS, FAMILIAL, 3; SDHC-Related Hereditary Paraganglioma-Pheochromocytoma Syndrome (Paragangliomas 3); SDHC-Related Hereditary Paraganglioma-Pheochromocytoma Syndrome; Paragangliomas 3. Identifiers: Orphanet 29072, MedGen C1854336, MONDO:0011544, OMIM 605373.
Gastrointestinal stromal tumor. Also called: Gastrointestinal stromal tumor, somatic; Gastrointestinal stroma tumor. Identifiers: Orphanet 44890, MedGen C0238198, MeSH D046152, MONDO:0011719, OMIM 606764, HP:0100723.
Hereditary cancer-predisposing syndrome. Also called: Tumor predisposition; Hereditary Cancer Syndrome; Neoplastic Syndromes, Hereditary; Hereditary neoplastic syndrome. Identifiers: Orphanet 140162, MedGen C0027672, MeSH D009386, MONDO:0015356.
Hereditary pheochromocytoma and paraganglioma. Also called: Hereditary Paraganglioma-Pheochromocytoma Syndromes; Hereditary paragangliomas and pheochromocytomas; Hereditary pheochromocytoma-paraganglioma. Identifiers: Orphanet 29072, MedGen C4274332, MONDO:0017366.

Allele frequency attached by ClinVar (database versions not stated): gnomAD 0.00020 and 0.00024; TOPMed 0.00029; ExAC 0.00036; ESP Exome Variant Server 0.00046.
gnomAD v4.1: 1,045 of 1,613,746 alleles (0.065%); highest among the groups gnomAD compares: South Asian, 0.14%; 2 homozygotes.

Submissions (15):

CeGaT Center for Human Genetics Tuebingen
Classification: Likely benign. Last evaluated: 2026-04-01. Review status: criteria provided, single submitter. Criteria: CeGaT Center For Human Genetics Tuebingen Variant Classification Criteria Version 2. Collection method: clinical testing. Allele origin: germline. Affected: yes. Observed: 2 variant alleles.
Comment: SDHC: BP4, BP7, BS1

Labcorp Genetics (formerly Invitae), Labcorp
Classification: Likely benign for Pheochromocytoma/paraganglioma syndrome 3; Gastrointestinal stromal tumor. Last evaluated: 2026-01-31. Review status: criteria provided, single submitter. Criteria: Invitae Variant Classification Sherloc (09022015). Collection method: clinical testing. Allele origin: germline.

Mayo Clinic Laboratories, Mayo Clinic
Classification: Likely benign. Last evaluated: 2025-06-09. Review status: criteria provided, single submitter. Criteria: ACMG Guidelines, 2015. Collection method: clinical testing. Allele origin: germline. Observed: 1 variant allele.
Comment: BS1, BP4, BP7

Myriad Genetics, Inc.
Classification: Benign for Pheochromocytoma/paraganglioma syndrome 3. Last evaluated: 2025-03-14. Review status: criteria provided, single submitter. Criteria: Myriad Autosomal Dominant, Autosomal Recessive and X-Linked Classification Criteria (2023). Collection method: clinical testing. Allele origin: unknown.
Comment: This variant is considered benign. This variant is a silent/synonymous amino acid change and it is not expected to impact splicing.

Center for Genomic Medicine, Rigshospitalet, Copenhagen University Hospital
Classification: Likely benign. Last evaluated: 2025-03-04. Review status: criteria provided, single submitter. Criteria: ACMG Guidelines, 2015. Collection method: clinical testing. Allele origin: germline.

Blueprint Genetics
Classification: Likely benign. Last evaluated: 2024-06-04. Review status: criteria provided, single submitter. Criteria: ACMG Guidelines, 2015. Collection method: clinical testing. Allele origin: germline.

Quest Diagnostics Nichols Institute San Juan Capistrano
Classification: Benign. Last evaluated: 2023-08-24. Review status: criteria provided, single submitter. Criteria: Quest Diagnostics criteria. Collection method: clinical testing. Allele origin: unknown.

Color Diagnostics, LLC DBA Color Health
Classification: Benign for Hereditary pheochromocytoma and paraganglioma. Last evaluated: 2022-10-11. Review status: criteria provided, single submitter. Criteria: ACMG Guidelines, 2015. Collection method: clinical testing. Allele origin: germline.

Women's Health and Genetics/Laboratory Corporation of America, LabCorp
Classification: Benign. Last evaluated: 2022-05-06. Review status: criteria provided, single submitter. Criteria: LabCorp Variant Classification Summary - May 2015. Collection method: clinical testing. Allele origin: germline.

Sema4
Classification: Benign for Hereditary cancer-predisposing syndrome. Last evaluated: 2021-10-19. Review status: criteria provided, single submitter. Criteria: Sema4 Curation Guidelines. Collection method: curation. Allele origin: germline.

GeneDx
Classification: Likely benign. Last evaluated: 2021-02-04. Review status: criteria provided, single submitter. Criteria: GeneDx Variant Classification Process June 2021. Collection method: clinical testing. Allele origin: germline. Affected: yes.
Comment: This variant is associated with the following publications: (PMID: 30877234, 17298551)

ARUP Laboratories, Molecular Genetics and Genomics, ARUP Laboratories
Classification: Likely benign. Last evaluated: 2020-03-19. Review status: criteria provided, single submitter. Criteria: ARUP Molecular Germline Variant Investigation Process. Collection method: clinical testing. Allele origin: germline.

Illumina Laboratory Services, Illumina
Classification: Benign for Hereditary Paraganglioma-Pheochromocytoma Syndromes. Last evaluated: 2018-01-13. Review status: criteria provided, single submitter. Criteria: ICSL Variant Classification Criteria 13 December 2019. Collection method: clinical testing. Allele origin: germline.
Comment: This variant was observed in the ICSL laboratory as part of a predisposition screen in an ostensibly healthy population. It had not been previously curated by ICSL or reported in the Human Gene Mutation Database (HGMD: prior to June 1st, 2018), and was therefore a candidate for classification through an automated scoring system. Utilizing variant allele frequency, disease prevalence and penetrance estimates, and inheritance mode, an automated score was calculated to assess if this variant is too frequent to cause the disease. Based on the score and internal cut-off values, a variant classified as benign is not then subjected to further curation. The score for this variant resulted in a classification of benign for this disease.

Ambry Genetics
Classification: Likely benign for Hereditary cancer-predisposing syndrome. Last evaluated: 2015-02-25. Review status: criteria provided, single submitter. Criteria: Ambry Variant Classification Scheme 2023. Collection method: clinical testing. Allele origin: germline.

PreventionGenetics, part of Exact Sciences
Classification: Benign. Review status: criteria provided, single submitter. Criteria: ACMG Guidelines, 2015. Collection method: clinical testing. Allele origin: germline.

Literature cited by the submitters: PubMed 30877234 (cited by Quest Diagnostics Nichols Institute San Juan Capistrano); PubMed 17298551 (cited by Quest Diagnostics Nichols Institute San Juan Capistrano).

NM_003001.5(SDHC):c.120G>A (p.Arg40=)

Gene: SDHC (succinate dehydrogenase complex subunit C; plus strand). Cytogenetic location: 1q23.3.
Variant type: single nucleotide variant.
Coding change: c.120G>A on transcript NM_003001.5 (MANE Select); coding-DNA position 120, G replaced by A.
Protein change: p.Arg40=; no amino-acid change (arginine 40 retained).
Molecular consequence: synonymous variant. On other transcripts: non-coding transcript variant (1), intron variant (4).
Genome position (GRCh38, 1-based): chr1:161,328,438, G>A. VCF-style: chr1-161328438-G-A. GRCh37 (hg19) VCF-style: chr1-161298228-G-A.
Other names: p.Arg40=; c.120G>A, p.Arg40= (NM_001035511.3, NM_001407115.1); c.63G>A, p.Arg21= (NM_001407116.1, NM_001407117.1, NM_001407121.1); c.9G>A, p.Arg3= (NM_001407119.1, NM_001407120.1); c.77+4768G>A (NM_001035512.3, NM_001278172.3, NM_001407118.1); c.21-12156G>A (NM_001035513.3).
Identifiers: ClinVar variation 239447 (VCV000239447.59), dbSNP rs36097930, ClinGen allele CA045727.